The following is an entry in ClinVar:

ClinVar aggregate classification (germline): Likely benign (1 of 4 stars; one submission).

Submission:

CeGaT Center for Human Genetics Tuebingen
Classification: Likely benign. Last evaluated: 2022-09-01. Review status: criteria provided, single submitter. Criteria: CeGaT Center For Human Genetics Tuebingen Variant Classification Criteria Version 2. Collection method: clinical testing. Allele origin: germline. Affected: yes. Observed: 1 variant allele.
Comment: IGSF22: BS2

NM_173588.4(IGSF22):c.3448_3450del (p.Phe1150del)

Genes: IGSF22 (immunoglobulin superfamily member 22; minus strand), IGSF22-AS1 (IGSF22 antisense RNA 1; plus strand). Cytogenetic location: 11p15.1.
Variant type: Deletion.
Coding change: c.3448_3450del on transcript NM_173588.4 (MANE Select); coding-DNA positions 3448 to 3450, 3 bases deleted (TTC; older notation c.3448_3450delTTC).
Protein change: p.Phe1150del; deletes phenylalanine 1150.
Molecular consequence: inframe deletion. On other transcripts: non-coding transcript variant (2).
Genome position (GRCh38, 1-based): chr11:18,707,044-18,707,046, GAA deleted on the plus strand (TTC on the coding strand, the reverse complement: IGSF22 is on the minus strand); deleting any 3 consecutive bases within chr11:18,707,044-18,707,048 gives the same sequence; the c. name uses the placement nearest the transcript's 3' end. VCF-style (leftmost placement, unchanged base first): chr11-18707043-TGAA-T. GRCh37 (hg19) VCF-style: chr11-18728590-TGAA-T.
Other names: short protein forms F1150del.
Identifiers: ClinVar variation 2641666 (VCV002641666.24), dbSNP rs543347161, ClinGen allele CA5913721.